The following is an entry in ClinVar:

NM_001166108.2(PALLD):c.418G>A (p.Ala140Thr)

Gene: PALLD (palladin, cytoskeletal associated protein; plus strand). Cytogenetic location: 4q32.3.
Variant type: single nucleotide variant.
Coding change: c.418G>A on transcript NM_001166108.2 (MANE Select); coding-DNA position 418, G replaced by A.
Protein change: p.Ala140Thr; replaces alanine 140 with threonine.
Molecular consequence: missense variant.
Genome position (GRCh38, 1-based): chr4:168,511,922, G>A. VCF-style: chr4-168511922-G-A. GRCh37 (hg19) VCF-style: chr4-169433073-G-A.
Other names: c.418G>A, p.Ala140Thr (NM_016081.4); short protein forms A140T.
Identifiers: ClinVar variation 3304044 (VCV003304044.1).

ClinVar aggregate classification (germline): Uncertain significance (1 of 4 stars; one submission).

Submission:

Ambry Genetics
Classification: Uncertain significance. Last evaluated: 2024-03-23. Review status: criteria provided, single submitter. Criteria: Ambry Variant Classification Scheme 2023. Collection method: clinical testing. Allele origin: germline.
Comment: The p.A140T variant (also known as c.418G>A), located in coding exon 1 of the PALLD gene, results from a G to A substitution at nucleotide position 418. The alanine at codon 140 is replaced by threonine, an amino acid with similar properties. This amino acid position is conserved. In addition, this alteration is predicted to be tolerated by in silico analysis. Based on the available evidence, the clinical significance of this alteration remains unclear.